The following is an entry in ClinVar:

ClinVar aggregate classification (germline): Uncertain significance. Review status: criteria provided, multiple submitters, no conflicts (2 of 4 stars). 2 submissions from 2 submitters: Uncertain significance (2). Last evaluated 2025-02-04.

Conditions:
Hereditary cancer-predisposing syndrome. Also called: Hereditary Cancer Syndrome; Hereditary neoplastic syndrome; Neoplastic Syndromes, Hereditary; Tumor predisposition. Identifiers: Orphanet 140162, MedGen C0027672, MeSH D009386, MONDO:0015356.

Allele frequency attached by ClinVar (database versions not stated): gnomAD exomes below 0.00001.
gnomAD v4.1: 1 of 1,612,926 alleles (0.000062%); highest among the groups gnomAD compares: Non-Finnish European, 0.000085%; no homozygotes.

Submissions (2):

Labcorp Genetics (formerly Invitae), Labcorp
Classification: Uncertain significance. Last evaluated: 2025-02-04. Review status: criteria provided, single submitter. Criteria: Invitae Variant Classification Sherloc (09022015). Collection method: clinical testing. Allele origin: germline.
Comment: This sequence change replaces glutamic acid, which is acidic and polar, with lysine, which is basic and polar, at codon 184 of the MSH3 protein (p.Glu184Lys). This variant is not present in population databases (gnomAD no frequency). This variant has not been reported in the literature in individuals affected with MSH3-related conditions. ClinVar contains an entry for this variant (Variation ID: 1748024). An algorithm developed to predict the effect of missense changes on protein structure and function outputs the following: PolyPhen-2: "Benign". The lysine amino acid residue is found in multiple mammalian species, which suggests that this missense change does not adversely affect protein function. In summary, the available evidence is currently insufficient to determine the role of this variant in disease. Therefore, it has been classified as a Variant of Uncertain Significance.

Ambry Genetics
Classification: Uncertain significance for Hereditary cancer-predisposing syndrome. Last evaluated: 2021-12-02. Review status: criteria provided, single submitter. Criteria: Ambry Variant Classification Scheme 2023. Collection method: clinical testing. Allele origin: germline.
Comment: The p.E184K variant (also known as c.550G>A), located in coding exon 3 of the MSH3 gene, results from a G to A substitution at nucleotide position 550. The glutamic acid at codon 184 is replaced by lysine, an amino acid with similar properties. This amino acid position is conserved. In addition, this alteration is predicted to be tolerated by in silico analysis. Since supporting evidence is limited at this time, the clinical significance of this alteration remains unclear.

NM_002439.5(MSH3):c.550G>A (p.Glu184Lys)

Gene: MSH3 (mutS homolog 3; plus strand). Cytogenetic location: 5q14.1.
Variant type: single nucleotide variant.
Coding change: c.550G>A on transcript NM_002439.5 (MANE Select); coding-DNA position 550, G replaced by A.
Protein change: p.Glu184Lys; replaces glutamic acid 184 with lysine.
Molecular consequence: missense variant.
Genome position (GRCh38, 1-based): chr5:80,665,334, G>A. VCF-style: chr5-80665334-G-A. GRCh37 (hg19) VCF-style: chr5-79961153-G-A.
Other names: short protein forms E184K.
Identifiers: ClinVar variation 1748024 (VCV001748024.7), dbSNP rs2112808953, ClinGen allele CA360264480.